The following is an entry in ClinVar:

ClinVar aggregate classification (germline): Pathogenic (1 of 4 stars; one submission).

Conditions:
CHARGE syndrome (CHARGE). Also called: Hittner Hirsch Kreh syndrome; Coloboma, heart anomaly, choanal atresia, retardation, genital and ear anomalies; CHARGE association; Hall-Hittner syndrome; CHARGE ASSOCIATION--COLOBOMA, HEART ANOMALY, CHOANAL ATRESIA, RETARDATION, GENITAL AND EAR ANOMALIES. Identifiers: Orphanet 138, MedGen C0265354, MONDO:0008965.

Submission:

Labcorp Genetics (formerly Invitae), Labcorp
Classification: Pathogenic for CHARGE syndrome. Last evaluated: 2017-09-03. Review status: criteria provided, single submitter. Criteria: Invitae Variant Classification Sherloc (09022015). Collection method: clinical testing. Allele origin: germline.
Comment: For these reasons, this variant has been classified as Pathogenic. Loss-of-function variants in CHD7 are known to be pathogenic (PMID: 22461308, 25077900). This variant has been reported to be de novo in an individual affected with CHARGE syndrome (PMID: 21158681). This variant is not present in population databases (ExAC no frequency). This sequence change creates a premature translational stop signal (p.Glu2378*) in the CHD7 gene. It is expected to result in an absent or disrupted protein product.

Literature cited by the submitters: PubMed 22461308; PubMed 25077900; PubMed 21158681.

NM_017780.4(CHD7):c.7132G>T (p.Glu2378Ter)

Gene: CHD7 (chromodomain helicase DNA binding protein 7; plus strand). Cytogenetic location: 8q12.2.
Variant type: single nucleotide variant.
Coding change: c.7132G>T on transcript NM_017780.4 (MANE Select); coding-DNA position 7132, G replaced by T.
Protein change: p.Glu2378Ter; replaces glutamic acid 2378 with a stop codon.
Molecular consequence: nonsense. On other transcripts: intron variant (1).
Genome position (GRCh38, 1-based): chr8:60,856,170, G>T. VCF-style: chr8-60856170-G-T. GRCh37 (hg19) VCF-style: chr8-61768729-G-T.
Other names: c.1717-6059G>T (NM_001316690.1); short protein forms E2378*.
Identifiers: ClinVar variation 529132 (VCV000529132.8), dbSNP rs878975068, ClinGen allele CA371299281.
Genomic context (GRCh38, chr8:60,856,170, plus strand): 5'-TTGCAGAAGAGGAGCTTTGCTGAGCTCTCCATGGTCGGCCAAGCCAGCATTAGTGGGAGT[G>T]AGGACATCACTACGTCTCCTCAGTTGTCAAAGGTGAATTAGAATGGCTTGTTTCTGCAGC-3'